The following is an entry in ClinVar:

ClinVar aggregate classification (germline): Uncertain significance (1 of 4 stars; one submission).

Conditions:
Jeune thoracic dystrophy. Also called: Jeune syndrome; Infantile thoracic dystrophy; Thoracic pelvic phalangeal dystrophy; Jeune's syndrome; Chondroectodermal dysplasia-like syndrome; Short-rib thoracic dysplasia. Identifiers: Orphanet 474, MedGen C0265275, MONDO:0018770.

gnomAD v4.1: 1 of 1,610,142 alleles (0.000062%); highest among the groups gnomAD compares: Non-Finnish European, 0.000085%; no homozygotes.

Submission:

Labcorp Genetics (formerly Invitae), Labcorp
Classification: Uncertain significance for Jeune thoracic dystrophy. Last evaluated: 2025-08-20. Review status: criteria provided, single submitter. Criteria: Invitae Variant Classification Sherloc (09022015). Collection method: clinical testing. Allele origin: germline.
Comment: This sequence change replaces asparagine, which is neutral and polar, with serine, which is neutral and polar, at codon 913 of the DYNC2H1 protein (p.Asn913Ser). This variant is not present in population databases (gnomAD no frequency). This variant has not been reported in the literature in individuals affected with DYNC2H1-related conditions. Invitae Evidence Modeling of protein sequence and biophysical properties (such as structural, functional, and spatial information, amino acid conservation, physicochemical variation, residue mobility, and thermodynamic stability) indicates that this missense variant is not expected to disrupt DYNC2H1 protein function with a negative predictive value of 95%. Algorithms developed to predict the effect of sequence changes on RNA splicing suggest that this variant may disrupt the consensus splice site. In summary, the available evidence is currently insufficient to determine the role of this variant in disease. Therefore, it has been classified as a Variant of Uncertain Significance.

NM_001377.3(DYNC2H1):c.2738A>G (p.Asn913Ser)

Gene: DYNC2H1 (dynein cytoplasmic 2 heavy chain 1; plus strand). Cytogenetic location: 11q22.3.
Variant type: single nucleotide variant.
Coding change: c.2738A>G on transcript NM_001377.3 (MANE Select); coding-DNA position 2738, A replaced by G.
Protein change: p.Asn913Ser; replaces asparagine 913 with serine.
Molecular consequence: missense variant.
Genome position (GRCh38, 1-based): chr11:103,147,807, A>G. VCF-style: chr11-103147807-A-G. GRCh37 (hg19) VCF-style: chr11-103018536-A-G.
Other names: c.2738A>G, p.Asn913Ser (NM_001080463.2); short protein forms N913S.
Identifiers: ClinVar variation 4719776 (VCV004719776.1).